The following is an entry in ClinVar:

ClinVar aggregate classification (germline): Uncertain significance (1 of 4 stars; one submission).

Conditions:
Tatton-Brown-Rahman overgrowth syndrome. Also called: Tatton-Brown-Rahman syndrome; Tall stature-intellectual disability-facial dysmorphism syndrome. Identifiers: Orphanet 404443, MedGen C4014545, MONDO:0014382, OMIM 615879.

Submission:

Labcorp Genetics (formerly Invitae), Labcorp
Classification: Uncertain significance for Tatton-Brown-Rahman overgrowth syndrome. Last evaluated: 2023-09-28. Review status: criteria provided, single submitter. Criteria: Invitae Variant Classification Sherloc (09022015). Collection method: clinical testing. Allele origin: germline.
Comment: Advanced modeling of protein sequence and biophysical properties (such as structural, functional, and spatial information, amino acid conservation, physicochemical variation, residue mobility, and thermodynamic stability) performed at Invitae indicates that this missense variant is expected to disrupt DNMT3A protein function. This missense change has been observed in individual(s) with Tatton-Brown-Rahman syndrome (PMID: 34092059). This variant is not present in population databases (gnomAD no frequency). This sequence change replaces alanine, which is neutral and non-polar, with proline, which is neutral and non-polar, at codon 903 of the DNMT3A protein (p.Ala903Pro). In summary, the available evidence is currently insufficient to determine the role of this variant in disease. Therefore, it has been classified as a Variant of Uncertain Significance.

Literature cited by the submitters: PubMed 34092059.

NM_022552.5(DNMT3A):c.2707G>C (p.Ala903Pro)

Gene: DNMT3A (DNA methyltransferase 3 alpha; minus strand). Cytogenetic location: 2p23.3.
Variant type: single nucleotide variant.
Coding change: c.2707G>C on transcript NM_022552.5 (MANE Select); coding-DNA position 2707, G replaced by C.
Protein change: p.Ala903Pro; replaces alanine 903 with proline.
Molecular consequence: missense variant. On other transcripts: non-coding transcript variant (1).
Genome position (GRCh38, 1-based): chr2:25,234,311, C>G on the plus strand (G>C on the coding strand, the complement: DNMT3A is on the minus strand). VCF-style: chr2-25234311-C-G. GRCh37 (hg19) VCF-style: chr2-25457180-C-G.
Other names: c.2140G>C, p.Ala714Pro (NM_153759.3); c.2707G>C, p.Ala903Pro (NM_175629.2); c.2251G>C, p.Ala751Pro (NM_001320893.1); c.2038G>C, p.Ala680Pro (NM_001375819.1); short protein forms A680P, A714P, A751P, A903P.
Identifiers: ClinVar variation 2764099 (VCV002764099.3), dbSNP rs749167103, ClinGen allele CA346068054.